The following is an entry in ClinVar:

ClinVar aggregate classification (germline): Pathogenic (1 of 4 stars; one submission).

Submission:

Labcorp Genetics (formerly Invitae), Labcorp
Classification: Pathogenic. Last evaluated: 2022-01-17. Review status: criteria provided, single submitter. Criteria: Invitae Variant Classification Sherloc (09022015). Collection method: clinical testing. Allele origin: germline.
Comment: This variant has not been reported in the literature in individuals affected with BAZ2B-related conditions. For these reasons, this variant has been classified as Pathogenic. A gross deletion of the genomic region encompassing the full coding sequence of the BAZ2B gene has been identified. Loss-of-function variants in BAZ2B are known to be pathogenic (PMID: 31999386). The boundaries of this event are unknown as they extend beyond the assayed region for this gene and therefore may encompass additional genes.

Literature cited by the submitters: PubMed 31999386.

NC_000002.11:g.(?_160176776)_(160335230_?)del

Gene: BAZ2B (bromodomain adjacent to zinc finger domain 2B; minus strand). Cytogenetic location: 2q24.2.
Variant type: Deletion.
Identifiers: ClinVar variation 2425874 (VCV002425874.4).